The following is an entry in ClinVar:

ClinVar aggregate classification (germline): Uncertain significance. Review status: criteria provided, multiple submitters, no conflicts (2 of 4 stars). 3 submissions from 3 submitters: Uncertain significance (3). Last evaluated 2025-08-22.

Conditions:
Cardiovascular phenotype. Identifiers: MedGen CN230736.
Arrhythmogenic right ventricular dysplasia 5. Also called: Arrhythmogenic Right Ventricular Dysplasia/Cardiomyopathy 5; ARRHYTHMOGENIC RIGHT VENTRICULAR DYSPLASIA, FAMILIAL, 5. Identifiers: MedGen C1858379, MONDO:0011459, OMIM 604400.
Cardiomyopathy (CMYO). Also called: Cardiomyopathies. Identifiers: Orphanet 167848, MedGen C0878544, MONDO:0004994, HP:0001638. Inheritance: Various modes of inheritance.

Allele frequency attached by ClinVar (database versions not stated): TOPMed 0.00001.
gnomAD v4.1: 3 of 1,614,200 alleles (0.00019%); highest among the groups gnomAD compares: Non-Finnish European, 0.00025%; no homozygotes.

Submissions (3):

Color Diagnostics, LLC DBA Color Health
Classification: Uncertain significance for Cardiomyopathy. Last evaluated: 2025-08-22. Review status: criteria provided, single submitter. Criteria: ACMG Guidelines, 2015. Collection method: clinical testing. Allele origin: germline.
Comment: This missense variant replaces isoleucine with valine at codon 218 of the TMEM43 protein. Computational prediction suggests that this variant may not impact protein structure and function. To our knowledge, functional studies have not been reported for this variant. This variant has not been reported in individuals affected with TMEM43-related disorders in the literature. This variant has not been identified in the general population by the Genome Aggregation Database (gnomAD). The available evidence is insufficient to determine the role of this variant in disease conclusively. Therefore, this variant is classified as a Variant of Uncertain Significance.

Labcorp Genetics (formerly Invitae), Labcorp
Classification: Uncertain significance for Arrhythmogenic right ventricular dysplasia 5. Last evaluated: 2024-08-28. Review status: criteria provided, single submitter. Criteria: Invitae Variant Classification Sherloc (09022015). Collection method: clinical testing. Allele origin: germline.
Comment: This sequence change replaces isoleucine, which is neutral and non-polar, with valine, which is neutral and non-polar, at codon 218 of the TMEM43 protein (p.Ile218Val). This variant is not present in population databases (gnomAD no frequency). This variant has not been reported in the literature in individuals affected with TMEM43-related conditions. ClinVar contains an entry for this variant (Variation ID: 1754063). Invitae Evidence Modeling of protein sequence and biophysical properties (such as structural, functional, and spatial information, amino acid conservation, physicochemical variation, residue mobility, and thermodynamic stability) indicates that this missense variant is not expected to disrupt TMEM43 protein function with a negative predictive value of 80%. In summary, the available evidence is currently insufficient to determine the role of this variant in disease. Therefore, it has been classified as a Variant of Uncertain Significance.

Ambry Genetics
Classification: Uncertain significance for Cardiovascular phenotype. Last evaluated: 2020-12-04. Review status: criteria provided, single submitter. Criteria: Ambry Variant Classification Scheme 2023. Collection method: clinical testing. Allele origin: germline.
Comment: The p.I218V variant (also known as c.652A>G), located in coding exon 8 of the TMEM43 gene, results from an A to G substitution at nucleotide position 652. The isoleucine at codon 218 is replaced by valine, an amino acid with highly similar properties. This amino acid position is not well conserved in available vertebrate species, and valine is the reference amino acid in other vertebrate species. In addition, this alteration is predicted to be tolerated by in silico analysis. Since supporting evidence is limited at this time, the clinical significance of this alteration remains unclear.

NM_024334.3(TMEM43):c.652A>G (p.Ile218Val)

Gene: TMEM43 (transmembrane protein 43; plus strand). Cytogenetic location: 3p25.1.
Variant type: single nucleotide variant.
Coding change: c.652A>G on transcript NM_024334.3 (MANE Select); coding-DNA position 652, A replaced by G.
Protein change: p.Ile218Val; replaces isoleucine 218 with valine.
Molecular consequence: missense variant.
Genome position (GRCh38, 1-based): chr3:14,134,838, A>G. VCF-style: chr3-14134838-A-G. GRCh37 (hg19) VCF-style: chr3-14176338-A-G.
Other names: c.655A>G, p.Ile219Val (NM_001407274.1); c.652A>G, p.Ile218Val (NM_001407275.1, NM_001407276.1, NM_001407277.1 and 1 more transcripts); c.637A>G, p.Ile213Val (NM_001407278.1); c.502A>G, p.Ile168Val (NM_001407280.1); short protein forms I168V, I213V, I219V, I218V.
Identifiers: ClinVar variation 1754063 (VCV001754063.6), dbSNP rs1424606125, ClinGen allele CA351535571.